The following is an entry in ClinVar:

ClinVar aggregate classification (germline): Uncertain significance (1 of 4 stars; one submission).

Conditions:
Hypertrophic cardiomyopathy. Also called: HYPERTROPHIC MYOCARDIOPATHY. Identifiers: Orphanet 217569, MedGen C0007194, MeSH D002312, MONDO:0005045, HP:0001639.

Submission:

Labcorp Genetics (formerly Invitae), Labcorp
Classification: Uncertain significance for Hypertrophic cardiomyopathy. Last evaluated: 2024-10-27. Review status: criteria provided, single submitter. Criteria: Invitae Variant Classification Sherloc (09022015). Collection method: clinical testing. Allele origin: germline.
Comment: This sequence change replaces lysine, which is basic and polar, with glutamine, which is neutral and polar, at codon 1895 of the MYH7 protein (p.Lys1895Gln). This variant is not present in population databases (gnomAD no frequency). This variant has not been reported in the literature in individuals affected with MYH7-related conditions. Invitae Evidence Modeling of protein sequence and biophysical properties (such as structural, functional, and spatial information, amino acid conservation, physicochemical variation, residue mobility, and thermodynamic stability) indicates that this missense variant is expected to disrupt MYH7 protein function with a positive predictive value of 95%. In summary, the available evidence is currently insufficient to determine the role of this variant in disease. Therefore, it has been classified as a Variant of Uncertain Significance.

NM_000257.4(MYH7):c.5683A>C (p.Lys1895Gln)

Gene: MYH7 (myosin heavy chain 7; minus strand). Cytogenetic location: 14q11.2.
Variant type: single nucleotide variant.
Coding change: c.5683A>C on transcript NM_000257.4 (MANE Select); coding-DNA position 5683, A replaced by C.
Protein change: p.Lys1895Gln; replaces lysine 1895 with glutamine.
Molecular consequence: missense variant.
Genome position (GRCh38, 1-based): chr14:23,413,866, T>G on the plus strand (A>C on the coding strand, the complement: MYH7 is on the minus strand). VCF-style: chr14-23413866-T-G. GRCh37 (hg19) VCF-style: chr14-23883075-T-G.
Other names: c.5683A>C, p.Lys1895Gln (NM_001407004.1); short protein forms K1895Q.
Identifiers: ClinVar variation 3635988 (VCV003635988.2).